The following continues an entry in ClinVar:

NM_000540.3(RYR1):c.14581C>T (p.Arg4861Cys)

Gene: RYR1. ClinVar aggregate classification (germline): Uncertain significance. Uncertain significance (1).

Submissions 6 to 18 of 18:

ARUP Laboratories, Molecular Genetics and Genomics, ARUP Laboratories
Classification: Pathogenic. Last evaluated: 2024-09-19. Review status: criteria provided, single submitter. Criteria: ARUP Molecular Germline Variant Investigation Process 2024. Collection method: clinical testing. Allele origin: germline. Not counted in ClinVar's aggregate classification.
Comment: The RYR1 c.14581C>T; p.Arg4861Cys variant (rs118192181, ClinVar Variation ID: 65986) is reported in the literature in multiple individuals affected with RYR1-related myopathies, including several de novo occurrences (Bharucha-Goebel 2013, Chang 2022, Davis 2003, Lazier 2016, Wu 2006). This variant is absent from the Genome Aggregation Database (v2.1.1), indicating it is not a common polymorphism. Computational analyses predict that this variant is deleterious (REVEL: 0.916). Additionally, another variant at this codon (c.14582G>A; p.Arg4861His) has been reported in multiple individuals with RYR1-related myopathies and is considered disease-causing (Chang 2022, Davis 2003, Wu 2006). Based on available information, the p.Arg4861Cys variant is considered to be pathogenic. References: Bharucha-Goebel DX et al. Severe congenital RYR1-associated myopathy: the expanding clinicopathologic and genetic spectrum. Neurology. 2013 Apr 23;80(17):1584-9. PMID: 23553484. Chang X et al. Correlation of Phenotype-Genotype and Protein Structure in RYR1-Related Myopathy. Front Neurol. 2022 May 26;13:870285. PMID: 35693006. Davis MR et al. Principal mutation hotspot for central core disease and related myopathies in the C-terminal transmembrane region of the RYR1 gene. Neuromuscul Disord. 2003 Feb;13(2):151-7. PMID: 12565913. Lazier J et al. Bilateral congenital lumbar hernias in a patient with central core disease--A case report. Neuromuscul Disord. 2016 Jan;26(1):56-9. PMID: 26684984. Wu S et al. Central core disease is due to RYR1 mutations in more than 90% of patients. Brain. 2006 Jun;129(Pt 6):1470-80. PMID: 16621918.

Revvity Omics, Revvity
Classification: Pathogenic. Last evaluated: 2023-06-26. Review status: criteria provided, single submitter. Criteria: ACMG Guidelines, 2015. Collection method: clinical testing. Allele origin: germline. Not counted in ClinVar's aggregate classification.

Center for Personalized Medicine, Children's Hospital Los Angeles
Classification: Pathogenic. Last evaluated: 2022-12-21. Review status: criteria provided, single submitter. Criteria: ACMG Guidelines, 2015. Collection method: clinical testing. Allele origin: de novo. Affected: yes. Not counted in ClinVar's aggregate classification.

GeneDx
Classification: Pathogenic. Last evaluated: 2021-11-09. Review status: criteria provided, single submitter. Criteria: GeneDx Variant Classification Process June 2021. Collection method: clinical testing. Allele origin: germline. Affected: yes. Not counted in ClinVar's aggregate classification.
Comment: Reported in multiple individuals with autosomal dominant central core disease with histological confirmation of central cores on muscle biopsy (Davis et al., 2003; Bharucja-Goebel et al, 2013); In silico analysis, which includes protein predictors and evolutionary conservation, supports a deleterious effect; Not observed at significant frequency in large population cohorts (gnomAD); This variant is associated with the following publications: (PMID: 12565913, 23553484, 20301565, 26684984, 32403337, 33333461, 33184643, 33458582, 20681998)

Baylor Genetics
Classification: Pathogenic for Central core myopathy. Last evaluated: 2019-06-21. Review status: criteria provided, single submitter. Criteria: ACMG Guidelines, 2015. Collection method: clinical testing. Allele origin: unknown. Affected: yes. Not counted in ClinVar's aggregate classification.
Comment: This variant was determined to be pathogenic according to ACMG Guidelines, 2015 [PMID:25741868].

Center for Pediatric Genomic Medicine, Children's Mercy Hospital and Clinics
Classification: Pathogenic. Last evaluated: 2016-10-27. Review status: criteria provided, single submitter. Criteria: ACMG Guidelines, 2015. Collection method: clinical testing. Allele origin: de novo. Not counted in ClinVar's aggregate classification.

PreventionGenetics, part of Exact Sciences
Classification: Pathogenic. Last evaluated: 2016-09-22. Review status: criteria provided, single submitter. Criteria: ACMG Guidelines, 2015. Collection method: clinical testing. Allele origin: germline. Not counted in ClinVar's aggregate classification.

Kasturba Medical College, Manipal, Kasturba Medical College, Manipal, Manipal Academy of Higher Education, Manipal, India
Classification: Likely pathogenic for Central core myopathy. Review status: criteria provided, single submitter. Criteria: ACMG Guidelines, 2015. Collection method: clinical testing. Allele origin: unknown. Inheritance: Autosomal dominant inheritance. Affected: yes. Observed: 1 heterozygote. Not counted in ClinVar's aggregate classification.
Comment: In silico analysis tools (CADD_phred, GERP, MutationTaster, REVEL) predict this variant to impair RYR1 protein function. Previously, two missense variants c.14581C>A and c.14581C>G at the same codon Arg4861Ser and Arg4861Gly has been reported in ClinVar database in patients with RYR1-related disorder (ClinVar ID: 2027376 and ClinVar ID: 943431). The variant c.14581C>T has been reported as pathogenic (13)/variant of uncertain significance (1) by 14 submitters to the ClinVar database in individuals with Central core myopathy, RYR1-related disorder and malignant hyperthermia (ClinVar ID: 65986; Davis et al., 2003).

Neuberg Centre For Genomic Medicine, NCGM
Classification: Pathogenic for Central core myopathy. Review status: criteria provided, single submitter. Criteria: ACMG Guidelines, 2015. Collection method: clinical testing. Allele origin: germline. Inheritance: Autosomal dominant inheritance. Affected: yes. Not counted in ClinVar's aggregate classification.
Comment: The missense variant p.R4861C in RYR1 (NM_000540.3) has been reported previosuly in multiple individuals with autosomal dominant Central core disease with histological confirmation of central cores on muscle biopsy (Davis et al., 2003; Bharucha-Goebel et al, 2013 ). The p.R4861C variant is novel (not in any individuals) in gnomAD Exomes. There is a large physicochemical difference between arginine and cysteine, which is likely to impact secondary protein structure as these residues differ in polarity, charge, size and/or other properties. The p.R4861C missense variant is predicted to be damaging by both SIFT and PolyPhen2. The arginine residue at codon 4861 of RYR1 is conserved in all mammalian species. The nucleotide c.14581 in RYR1 is predicted conserved by GERP++ and PhyloP across 100 vertebrates. For these reasons, this variant has been classified as Pathogenic.

GeneReviews
Classification: Pathogenic for Central Core Disease. Last evaluated: 2010-05-11. Review status: no assertion criteria provided. Collection method: curation. Allele origin: unknown. Not counted in ClinVar's aggregate classification.
ClinVar note: Converted during submission from pathologic to Pathogenic.

Genome Diagnostics Laboratory, University Medical Center Utrecht
Classification: Pathogenic. Review status: no assertion criteria provided. Collection method: clinical testing. Allele origin: germline. Affected: yes. Study: VKGL Data-share Consensus. Not counted in ClinVar's aggregate classification.

Joint Genome Diagnostic Labs from Nijmegen and Maastricht, Radboudumc and MUMC+
Classification: Pathogenic. Review status: no assertion criteria provided. Collection method: clinical testing. Allele origin: germline. Affected: yes. Study: VKGL Data-share Consensus. Not counted in ClinVar's aggregate classification.

RYR1 database
No classification provided. Review status: no classification provided. Collection method: not provided. Allele origin: unknown. Not counted in ClinVar's aggregate classification.

Literature cited by the submitters: PubMed 12565913 (cited by 3 submitters); PubMed 17483490 (cited by Labcorp Genetics (formerly Invitae), Labcorp); PubMed 23553484 (cited by Labcorp Genetics (formerly Invitae), Labcorp); PubMed 25960145 (cited by Labcorp Genetics (formerly Invitae), Labcorp); PubMed 26684984 (cited by Labcorp Genetics (formerly Invitae), Labcorp); PubMed 11709545 (cited by Labcorp Genetics (formerly Invitae), Labcorp and 3billion); PubMed 16621918 (cited by Labcorp Genetics (formerly Invitae), Labcorp); PubMed 23394784 (cited by Labcorp Genetics (formerly Invitae), Labcorp); PubMed 25521991 (cited by Labcorp Genetics (formerly Invitae), Labcorp); PubMed 23919265 (cited by Victorian Clinical Genetics Services, Murdoch Childrens Research Institute); PubMed 27855725 (cited by Victorian Clinical Genetics Services, Murdoch Childrens Research Institute); PubMed 33767344 (cited by Victorian Clinical Genetics Services, Murdoch Childrens Research Institute).